The following is an entry in ClinVar:

NM_000384.3(APOB):c.12444C>A (p.Ala4148=)

Gene: APOB (apolipoprotein B; minus strand). Cytogenetic location: 2p24.1.
Variant type: single nucleotide variant.
Coding change: c.12444C>A on transcript NM_000384.3 (MANE Select); coding-DNA position 12444, C replaced by A.
Protein change: p.Ala4148=; no amino-acid change (alanine 4148 retained).
Molecular consequence: synonymous variant.
Genome position (GRCh38, 1-based): chr2:21,002,978, G>T on the plus strand (C>A on the coding strand, the complement: APOB is on the minus strand). VCF-style: chr2-21002978-G-T. GRCh37 (hg19) VCF-style: chr2-21225850-G-T.
Identifiers: ClinVar variation 334076 (VCV000334076.35), dbSNP rs757789853, ClinGen allele CA050313.

ClinVar aggregate classification (germline): Conflicting classifications of pathogenicity. Review status: criteria provided, conflicting classifications (1 of 4 stars). 6 submissions from 5 submitters: Uncertain significance (2); Likely benign (4). Last evaluated 2024-06-01.

Conditions:
Familial hypobetalipoproteinemia 1. Also called: APOB-Related Familial Hypobetalipoproteinemia; Hypobetalipoproteinemia, normotriglyceridemic; Acanthocytosis with hypobetalipoproteinemia. Identifiers: MedGen C4551990, MONDO:0014252, OMIM 615558.
Familial hypercholesterolemia. Also called: Familial hypercholesterolaemia; Familial hypercholesterolemias. Identifiers: MedGen C0020445, MONDO:0005439.
Hypercholesterolemia, autosomal dominant, type B (FHCL2). Also called: Familial hypercholesterolemia 2; APOB-Related Familial Hypercholesterolemia, Autosomal Dominant; APOLIPOPROTEIN B-100, FAMILIAL DEFECTIVE; APOLIPOPROTEIN B-100, FAMILIAL LIGAND-DEFECTIVE; Familial Hypercholesterolemia Type B; HYPERCHOLESTEROLEMIA, FAMILIAL, DUE TO LIGAND-DEFECTIVE APOLIPOPROTEIN B. Identifiers: MedGen C1704417, MONDO:0007751, OMIM 144010.
Cardiovascular phenotype. Identifiers: MedGen CN230736.

Allele frequency attached by ClinVar (database versions not stated): ExAC 0.00001; gnomAD exomes 0.00002; gnomAD 0.00003 and 0.00004; TOPMed 0.00005.
gnomAD v4.1: 45 of 1,595,938 alleles (0.0028%); highest among the groups gnomAD compares: Middle Eastern, 0.017%; no homozygotes.

Submissions (6):

CeGaT Center for Human Genetics Tuebingen
Classification: Likely benign. Last evaluated: 2024-06-01. Review status: criteria provided, single submitter. Criteria: CeGaT Center For Human Genetics Tuebingen Variant Classification Criteria Version 2. Collection method: clinical testing. Allele origin: germline. Affected: yes. Observed: 1 variant allele.
Comment: APOB: BP4, BP7

GENinCode PLC
Classification: Likely benign for Familial hypercholesterolemia. Last evaluated: 2023-09-01. Review status: criteria provided, single submitter. Criteria: ACMG Guidelines, 2015. Collection method: clinical testing. Allele origin: germline.
Comment: This is a synonymous (silent) variant that is not predicted by SpliceAI to impact splicing. In addition, it occurs at a nucleotide that is not conserved. Therefore this variant has been classified as Likely Benign (BP4, BP7).

Labcorp Genetics (formerly Invitae), Labcorp
Classification: Likely benign for Familial hypobetalipoproteinemia 1; Hypercholesterolemia, autosomal dominant, type B. Last evaluated: 2023-06-02. Review status: criteria provided, single submitter. Criteria: Invitae Variant Classification Sherloc (09022015). Collection method: clinical testing. Allele origin: germline.

Ambry Genetics
Classification: Likely benign for Cardiovascular phenotype. Last evaluated: 2022-08-17. Review status: criteria provided, single submitter. Criteria: Ambry Variant Classification Scheme 2023. Collection method: clinical testing. Allele origin: germline.

Illumina Laboratory Services, Illumina
Classification: Uncertain significance for Hypercholesterolemia, autosomal dominant, type B. Last evaluated: 2018-01-12. Review status: criteria provided, single submitter. Criteria: ICSL Variant Classification Criteria 13 December 2019. Collection method: clinical testing. Allele origin: germline.

Illumina Laboratory Services, Illumina
Classification: Uncertain significance for Familial hypobetalipoproteinemia 1. Last evaluated: 2018-01-12. Review status: criteria provided, single submitter. Criteria: ICSL Variant Classification Criteria 13 December 2019. Collection method: clinical testing. Allele origin: germline.